The following is an entry in ClinVar:

ClinVar aggregate classification (germline): Pathogenic (1 of 4 stars; one submission).

Conditions:
Hereditary cancer-predisposing syndrome. Also called: Neoplastic Syndromes, Hereditary; Hereditary Cancer Syndrome; Tumor predisposition; Hereditary neoplastic syndrome. Identifiers: Orphanet 140162, MedGen C0027672, MeSH D009386, MONDO:0015356.

Submission:

Ambry Genetics
Classification: Pathogenic for Hereditary cancer-predisposing syndrome. Last evaluated: 2025-01-24. Review status: criteria provided, single submitter. Criteria: Ambry Variant Classification Scheme 2023. Collection method: clinical testing. Allele origin: germline.
Comment: The c.2565delGins21 pathogenic mutation, located in coding exon 16 of the ATM gene, results from the deletion of one nucleotide and insertion of 21 nucleotides (TACTGATCTAAATAGATCAGT) causing a translational frameshift with a predicted alternate stop codon (p.M855Ifs*32). This variant was identified in the heterozygous state amongst a cohort of 66 ataxia telangiectasia patients (Sandoval N et al, Hum Mol Genet, 1999 Jan;8(1):69-79). This variant is considered to be rare based on population cohorts in the Genome Aggregation Database (gnomAD). In addition to the clinical data presented in the literature, this alteration is expected to result in loss of function by premature protein truncation or nonsense-mediated mRNA decay. As such, this alteration is interpreted as a disease-causing mutation.

Literature cited by the submitters: PubMed 9887333.

NM_000051.4(ATM):c.2565delinsTACTGATCTAAATAGATCAGT (p.Met855fs)

Gene: ATM (ATM serine/threonine kinase; plus strand). Cytogenetic location: 11q22.3.
Variant type: Indel.
Coding change: c.2565delinsTACTGATCTAAATAGATCAGT on transcript NM_000051.4 (MANE Select); coding-DNA position 2565, G replaced by TACTGATCTAAATAGATCAGT.
Protein change: p.Met855fs; shifts the reading frame from methionine 855.
Molecular consequence: frameshift variant.
Genome position (GRCh38, 1-based): chr11:108,267,269, G replaced by TACTGATCTAAATAGATCAGT. VCF-style: chr11-108267269-G-TACTGATCTAAATAGATCAGT. GRCh37 (hg19) VCF-style: chr11-108137996-G-TACTGATCTAAATAGATCAGT.
Other names: c.2565delinsTACTGATCTAAATAGATCAGT, p.Met855fs (NM_001351834.2); short protein forms M855fs.
Identifiers: ClinVar variation 3801781 (VCV003801781.1).
Genomic context (GRCh38, chr11:108,267,269, plus strand): 5'-AGAATCAATGGAAGATGATACTAATGGAAATCTAATGGAGGTGGAGGATCAGTCATCCAT[G>TACTGATCTAAATAGATCAGT]AATCTATTTAACGATTACCCTGATAGTAGTGTTAGTGATGCAAACGAACCTGGAGAGAGC-3'